The following is an entry in ClinVar:

ClinVar aggregate classification (germline): Conflicting classifications of pathogenicity. Review status: criteria provided, conflicting classifications (1 of 4 stars). 5 submissions from 5 submitters: Uncertain significance (4); Likely benign (1). Last evaluated 2025-12-03.

Conditions:
DICER1-related tumor predisposition. Also called: DICER1 syndrome; DICER1-related pleuropulmonary blastoma cancer predisposition syndrome. Identifiers: Orphanet 284343, MedGen C3839822, MONDO:0100216.
Global developmental delay - lung cysts - overgrowth - Wilms tumor syndrome. Also called: GLOBAL DEVELOPMENTAL DELAY, LUNG CYSTS, OVERGROWTH, AND WILMS TUMOR; GLOW Syndrome. Identifiers: Orphanet 404476, MedGen C4748924, MONDO:0018445, OMIM 618272.
Hereditary cancer-predisposing syndrome. Also called: Neoplastic Syndromes, Hereditary; Tumor predisposition; Hereditary neoplastic syndrome; Hereditary Cancer Syndrome. Identifiers: Orphanet 140162, MedGen C0027672, MeSH D009386, MONDO:0015356.

Allele frequency attached by ClinVar (database versions not stated): gnomAD 0.00001; gnomAD exomes 0.00005.
gnomAD v4.1: 74 of 1,613,962 alleles (0.0046%); highest among the groups gnomAD compares: Non-Finnish European, 0.0058%; no homozygotes.

Submissions (6):

Labcorp Genetics (formerly Invitae), Labcorp
Classification: Likely benign for DICER1-related tumor predisposition. Last evaluated: 2025-12-03. Review status: criteria provided, single submitter. Criteria: Invitae Variant Classification Sherloc (09022015). Collection method: clinical testing. Allele origin: germline.

GeneDx
Classification: Uncertain significance. Last evaluated: 2024-07-02. Review status: criteria provided, single submitter. Criteria: GeneDx Variant Classification Process June 2021. Collection method: clinical testing. Allele origin: germline. Affected: yes.
Comment: Not observed at significant frequency in large population cohorts (gnomAD); In silico analysis indicates that this missense variant does not alter protein structure/function; Has not been previously published as pathogenic or benign to our knowledge

Ambry Genetics
Classification: Uncertain significance for Hereditary cancer-predisposing syndrome. Last evaluated: 2024-01-17. Review status: criteria provided, single submitter. Criteria: Ambry Variant Classification Scheme 2023. Collection method: clinical testing. Allele origin: germline.
Comment: The p.M24V variant (also known as c.70A>G), located in coding exon 1 of the DICER1 gene, results from an A to G substitution at nucleotide position 70. The methionine at codon 24 is replaced by valine, an amino acid with highly similar properties. This amino acid position is highly conserved in available vertebrate species. In addition, the in silico prediction for this alteration is inconclusive. Since supporting evidence is limited at this time, the clinical significance of this alteration remains unclear.

Baylor Genetics
Classification: Uncertain significance for Global developmental delay - lung cysts - overgrowth - Wilms tumor syndrome. Last evaluated: 2023-09-13. Review status: criteria provided, single submitter. Criteria: ACMG Guidelines, 2015. Collection method: clinical testing. Allele origin: unknown.

Institute for Clinical Genetics, University Hospital TU Dresden, University Hospital TU Dresden
Classification: Uncertain significance. Last evaluated: 2021-11-03. Review status: criteria provided, single submitter. Criteria: ACMG Guidelines, 2015. Collection method: clinical testing. Allele origin: germline.

Dr. Peter K. Rogan Lab, Western University
No classification provided (evidence only). Condition: Ovarian serous cystadenocarcinoma. Review status: no classification provided. Collection method: in vitro. Allele origin: not applicable. Functional consequence: retained intron. Not counted in ClinVar's aggregate classification.

NM_177438.3(DICER1):c.70A>G (p.Met24Val)

Gene: DICER1 (dicer 1, ribonuclease III; minus strand). Cytogenetic location: 14q32.13.
Variant type: single nucleotide variant.
Coding change: c.70A>G on transcript NM_177438.3 (MANE Select); coding-DNA position 70, A replaced by G.
Protein change: p.Met24Val; replaces methionine 24 with valine.
Molecular consequence: missense variant.
Genome position (GRCh38, 1-based): chr14:95,133,389, T>C on the plus strand (A>G on the coding strand, the complement: DICER1 is on the minus strand). VCF-style: chr14-95133389-T-C. GRCh37 (hg19) VCF-style: chr14-95599726-T-C.
Other names: c.70A>G, p.Met24Val (NM_001195573.1, NM_001271282.3, NM_001291628.2 and 1 more transcripts); short protein forms M24V.
Identifiers: ClinVar variation 242147 (VCV000242147.20), dbSNP rs754439528, ClinGen allele CA10583231.